The following is an entry in ClinVar:

ClinVar aggregate classification (germline): Uncertain significance (1 of 4 stars; one submission).

Conditions:
Hypokalemic periodic paralysis, type 1. Also called: Hypokalemic Periodic Paralysis Type 1 (AD); HypoPP. Identifiers: Orphanet 681, MedGen C3714580, MONDO:0042979, OMIM 170400.
Malignant hyperthermia, susceptibility to, 5 (MHS5). Also called: CACNA1S-Related Malignant Hyperthermia Susceptibility. Identifiers: Orphanet 423, MedGen C1866077, MONDO:0011163, OMIM 601887.

Allele frequency attached by ClinVar (database versions not stated): gnomAD exomes below 0.00001 and 0.00001; gnomAD 0.00001; TOPMed 0.00003.
gnomAD v4.1: 8 of 1,614,058 alleles (0.0005%); highest among the groups gnomAD compares: East Asian, 0.0045%; no homozygotes.

Submission:

Labcorp Genetics (formerly Invitae), Labcorp
Classification: Uncertain significance for Hypokalemic periodic paralysis, type 1; Malignant hyperthermia, susceptibility to, 5. Last evaluated: 2024-06-13. Review status: criteria provided, single submitter. Criteria: Invitae Variant Classification Sherloc (09022015). Collection method: clinical testing. Allele origin: germline.
Comment: This sequence change replaces arginine, which is basic and polar, with tryptophan, which is neutral and slightly polar, at codon 1534 of the CACNA1S protein (p.Arg1534Trp). The frequency data for this variant in the population databases is considered unreliable, as metrics indicate poor data quality at this position in the gnomAD database. This variant has not been reported in the literature in individuals affected with CACNA1S-related conditions. ClinVar contains an entry for this variant (Variation ID: 1447848). Advanced modeling of protein sequence and biophysical properties (such as structural, functional, and spatial information, amino acid conservation, physicochemical variation, residue mobility, and thermodynamic stability) has been performed at Invitae for this missense variant, however the output from this modeling did not meet the statistical confidence thresholds required to predict the impact of this variant on CACNA1S protein function. In summary, the available evidence is currently insufficient to determine the role of this variant in disease. Therefore, it has been classified as a Variant of Uncertain Significance.

NM_000069.3(CACNA1S):c.4600C>T (p.Arg1534Trp)

Gene: CACNA1S (calcium voltage-gated channel subunit alpha1 S; minus strand). Cytogenetic location: 1q32.1.
Variant type: single nucleotide variant.
Coding change: c.4600C>T on transcript NM_000069.3 (MANE Select); coding-DNA position 4600, C replaced by T.
Protein change: p.Arg1534Trp; replaces arginine 1534 with tryptophan.
Molecular consequence: missense variant.
Genome position (GRCh38, 1-based): chr1:201,047,183, G>A on the plus strand (C>T on the coding strand, the complement: CACNA1S is on the minus strand). VCF-style: chr1-201047183-G-A. GRCh37 (hg19) VCF-style: chr1-201016311-G-A.
Other names: short protein forms R1534W.
Identifiers: ClinVar variation 1447848 (VCV001447848.8), dbSNP rs914458618, ClinGen allele CA35996168.